The following is an entry in ClinVar:

ClinVar aggregate classification (germline): Uncertain significance (1 of 4 stars; one submission).

Submission:

GeneDx
Classification: Uncertain significance. Last evaluated: 2022-12-01. Review status: criteria provided, single submitter. Criteria: GeneDx Variant Classification Process June 2021. Collection method: clinical testing. Allele origin: germline. Affected: yes.
Comment: Not observed at significant frequency in large population cohorts (gnomAD); In silico analysis supports that this missense variant does not alter protein structure/function; Has not been previously published as pathogenic or benign to our knowledge

NM_018896.5(CACNA1G):c.2977G>A (p.Gly993Arg)

Gene: CACNA1G (calcium voltage-gated channel subunit alpha1 G; plus strand). Cytogenetic location: 17q21.33.
Variant type: single nucleotide variant.
Coding change: c.2977G>A on transcript NM_018896.5 (MANE Select); coding-DNA position 2977, G replaced by A.
Protein change: p.Gly993Arg; replaces glycine 993 with arginine.
Molecular consequence: missense variant. On other transcripts: non-coding transcript variant (3), intron variant (8).
Genome position (GRCh38, 1-based): chr17:50,595,059, G>A. VCF-style: chr17-50595059-G-A. GRCh37 (hg19) VCF-style: chr17-48672420-G-A.
Other names: c.2977G>A, p.Gly993Arg (NM_001256324.2, NM_001256325.2, NM_001256326.2 and 16 more transcripts); c.2911-1503G>A (NM_198396.3, NM_198379.3, NM_198387.3 and 5 more transcripts); short protein forms G993R.
Identifiers: ClinVar variation 2504193 (VCV002504193.1), dbSNP rs2045233125, ClinGen allele CA400250735.